The following is an entry in ClinVar:

NM_001040108.2(MLH3):c.4225T>G (p.Leu1409Val)

Gene: MLH3 (mutL homolog 3; minus strand). Cytogenetic location: 14q24.3.
Variant type: single nucleotide variant.
Coding change: c.4225T>G on transcript NM_001040108.2 (MANE Select); coding-DNA position 4225, T replaced by G.
Protein change: p.Leu1409Val; replaces leucine 1409 with valine.
Molecular consequence: missense variant.
Genome position (GRCh38, 1-based): chr14:75,018,846, A>C on the plus strand (T>G on the coding strand, the complement: MLH3 is on the minus strand). VCF-style: chr14-75018846-A-C. GRCh37 (hg19) VCF-style: chr14-75485549-A-C.
Other names: c.4153T>G, p.Leu1385Val (NM_014381.3); short protein forms L1385V, L1409V.
Identifiers: ClinVar variation 963743 (VCV000963743.10), dbSNP rs1890074696, ClinGen allele CA390418688.
Genomic context (GRCh38, chr14:75,018,846, plus strand): 5'-AATAAACTTTGCTCCCTCCTGCTCCTGTTAGTCATTAATGTACCTGTTTTTCCTGTTCCA[A>C]GTGGTCTATGTCAGCTAACGGCAGCATAGAAGGTCTCCCGTGAGCACACTGGAATGGCAG-3'
Protein context (NP_001035197.1, residues 1399-1419): SMLPLADIDH[Leu1409Val]EQEKQIKPNL

ClinVar aggregate classification (germline): Uncertain significance. Review status: criteria provided, multiple submitters, no conflicts (2 of 4 stars). 2 submissions from 2 submitters: Uncertain significance (2). Last evaluated 2026-01-12.

Conditions:
Colorectal cancer, hereditary nonpolyposis, type 7. Identifiers: Orphanet 144, MedGen C1858380, MONDO:0013725, OMIM 614385.

gnomAD v4.1: 17 of 1,614,152 alleles (0.0011%); highest among the groups gnomAD compares: Non-Finnish European, 0.0014%; no homozygotes.

Submissions (2):

Labcorp Genetics (formerly Invitae), Labcorp
Classification: Uncertain significance for Colorectal cancer, hereditary nonpolyposis, type 7. Last evaluated: 2026-01-12. Review status: criteria provided, single submitter. Criteria: Invitae Variant Classification Sherloc (09022015). Collection method: clinical testing. Allele origin: germline.
Comment: This sequence change replaces leucine, which is neutral and non-polar, with valine, which is neutral and non-polar, at codon 1409 of the MLH3 protein (p.Leu1409Val). This variant is not present in population databases (gnomAD no frequency). This variant has not been reported in the literature in individuals affected with MLH3-related conditions. ClinVar contains an entry for this variant (Variation ID: 963743). An algorithm developed to predict the effect of missense changes on protein structure and function (PolyPhen-2) suggests that this variant is likely to be disruptive. In summary, the available evidence is currently insufficient to determine the role of this variant in disease. Therefore, it has been classified as a Variant of Uncertain Significance.

Ambry Genetics
Classification: Uncertain significance. Last evaluated: 2024-11-02. Review status: criteria provided, single submitter. Criteria: Ambry Variant Classification Scheme 2023. Collection method: clinical testing. Allele origin: germline.
Comment: The p.L1409V variant (also known as c.4225T>G), located in coding exon 11 of the MLH3 gene, results from a T to G substitution at nucleotide position 4225. The leucine at codon 1409 is replaced by valine, an amino acid with highly similar properties. This amino acid position is conserved. In addition, the in silico prediction for this alteration is inconclusive. Based on the available evidence, the clinical significance of this variant remains unclear.